The following is an entry in ClinVar:

ClinVar aggregate classification (germline): Uncertain significance (1 of 4 stars; one submission).

Conditions:
Achondrogenesis, type IA (ACG1A). Identifiers: Orphanet 932, Orphanet 93299, MedGen C0265273, MONDO:0008701, OMIM 200600.

Allele frequency attached by ClinVar (database versions not stated): TOPMed below 0.00001; gnomAD exomes 0.00001.
gnomAD v4.1: 12 of 1,613,238 alleles (0.00074%); highest among the groups gnomAD compares: South Asian, 0.0066%; no homozygotes.

Submission:

Labcorp Genetics (formerly Invitae), Labcorp
Classification: Uncertain significance for Achondrogenesis, type IA. Last evaluated: 2022-05-25. Review status: criteria provided, single submitter. Criteria: Invitae Variant Classification Sherloc (09022015). Collection method: clinical testing. Allele origin: germline.
Comment: This sequence change replaces alanine, which is neutral and non-polar, with valine, which is neutral and non-polar, at codon 1963 of the TRIP11 protein (p.Ala1963Val). This variant is not present in population databases (gnomAD no frequency). This variant has not been reported in the literature in individuals affected with TRIP11-related conditions. Algorithms developed to predict the effect of missense changes on protein structure and function output the following: SIFT: "Not Available"; PolyPhen-2: "Benign"; Align-GVGD: "Not Available". The valine amino acid residue is found in multiple mammalian species, which suggests that this missense change does not adversely affect protein function. In summary, the available evidence is currently insufficient to determine the role of this variant in disease. Therefore, it has been classified as a Variant of Uncertain Significance.

NM_004239.4(TRIP11):c.5888C>T (p.Ala1963Val)

Gene: TRIP11 (thyroid hormone receptor interactor 11; minus strand). Cytogenetic location: 14q32.12.
Variant type: single nucleotide variant.
Coding change: c.5888C>T on transcript NM_004239.4 (MANE Select); coding-DNA position 5888, C replaced by T.
Protein change: p.Ala1963Val; replaces alanine 1963 with valine.
Molecular consequence: missense variant.
Genome position (GRCh38, 1-based): chr14:91,969,725, G>A on the plus strand (C>T on the coding strand, the complement: TRIP11 is on the minus strand). VCF-style: chr14-91969725-G-A. GRCh37 (hg19) VCF-style: chr14-92436069-G-A.
Other names: c.5885C>T, p.Ala1962Val (NM_001321851.1); short protein forms A1962V, A1963V.
Identifiers: ClinVar variation 1956116 (VCV001956116.2), dbSNP rs2056377613, ClinGen allele CA390643473.
Genomic context (GRCh38, chr14:91,969,725, plus strand): 5'-AGAATCATCTATTGCTTTAAAAGGTCTTTCAGCACAACCCCAGCACTGTTGTCAGGTAAC[G>A]CTGGCAAAGGTGTAAATGTGGGCAAAACATCTGAGATGGGTTTCAGAAGAAGATGCCCGG-3'
Protein context (NP_004230.2, residues 1953-1973): DVLPTFTPLP[Ala1963Val]LPDNSAGVVL